The following is an entry in ClinVar:

ClinVar aggregate classification (germline): Uncertain significance (1 of 4 stars; one submission).

Conditions:
LAMA5-related disorder. Also called: LAMA5-related condition; LAMA5-Related Disorders.

Allele frequency attached by ClinVar (database versions not stated): ExAC 0.00001; gnomAD 0.00002; TOPMed 0.00003.
gnomAD v4.1: 45 of 1,611,262 alleles (0.0028%); highest among the groups gnomAD compares: Middle Eastern, 0.033%; no homozygotes.

Submission:

PreventionGenetics, part of Exact Sciences
Classification: Uncertain significance for LAMA5-related condition. Last evaluated: 2023-08-04. Review status: criteria provided, single submitter. Criteria: ACMG Guidelines, 2015. Collection method: clinical testing. Allele origin: germline.
Comment: The LAMA5 c.10756G>A variant is predicted to result in the amino acid substitution p.Gly3586Arg. To our knowledge, this variant has not been reported in the literature. This variant is reported in 0.0036% of alleles in individuals of European (Non-Finnish) descent in gnomAD. At this time, the clinical significance of this variant is uncertain due to the absence of conclusive functional and genetic evidence.

NM_005560.6(LAMA5):c.10756G>A (p.Gly3586Arg)

Gene: LAMA5 (laminin subunit alpha 5; minus strand). Cytogenetic location: 20q13.33.
Variant type: single nucleotide variant.
Coding change: c.10756G>A on transcript NM_005560.6 (MANE Select); coding-DNA position 10756, G replaced by A.
Protein change: p.Gly3586Arg; replaces glycine 3586 with arginine.
Molecular consequence: missense variant.
Genome position (GRCh38, 1-based): chr20:62,310,060, C>T on the plus strand (G>A on the coding strand, the complement: LAMA5 is on the minus strand). VCF-style: chr20-62310060-C-T. GRCh37 (hg19) VCF-style: chr20-60885116-C-T.
Other names: short protein forms G3586R.
Identifiers: ClinVar variation 2632893 (VCV002632893.1), dbSNP rs770317338, ClinGen allele CA9939628.